The following is an entry in ClinVar:

NM_004525.3(LRP2):c.9733G>A (p.Asp3245Asn)

Gene: LRP2 (LDL receptor related protein 2; minus strand). Cytogenetic location: 2q31.1.
Variant type: single nucleotide variant.
Coding change: c.9733G>A on transcript NM_004525.3 (MANE Select); coding-DNA position 9733, G replaced by A.
Protein change: p.Asp3245Asn; replaces aspartic acid 3245 with asparagine.
Molecular consequence: missense variant.
Genome position (GRCh38, 1-based): chr2:169,185,615, C>T on the plus strand (G>A on the coding strand, the complement: LRP2 is on the minus strand). VCF-style: chr2-169185615-C-T. GRCh37 (hg19) VCF-style: chr2-170042125-C-T.
Other names: c.9733G>A (NM_004525.2); short protein forms D3245N.
Identifiers: ClinVar variation 1420349 (VCV001420349.8), dbSNP rs759025536, ClinGen allele CA1953526.

ClinVar aggregate classification (germline): Uncertain significance. Review status: criteria provided, multiple submitters, no conflicts (2 of 4 stars). 4 submissions from 4 submitters: Uncertain significance (3). 1 of the submissions does not count toward it. Last evaluated 2022-12-28.

Conditions:
LRP2-related disorder. Also called: LRP2-related condition.
Donnai-Barrow syndrome. Also called: FACIOOCULOACOUSTICORENAL SYNDROME; DBS/FOAR SYNDROME. Identifiers: Orphanet 2143, MedGen C1857277, MONDO:0009104, OMIM 222448.
Inborn genetic diseases. Identifiers: MedGen C0950123, MeSH D030342.

Allele frequency attached by ClinVar (database versions not stated): gnomAD exomes 0.00001; ExAC 0.00002.
gnomAD v4.1: 11 of 1,614,016 alleles (0.00068%); highest among the groups gnomAD compares: African/African-American, 0.013%; no homozygotes.

Submissions (4):

Ambry Genetics
Classification: Uncertain significance for Inborn genetic diseases. Last evaluated: 2022-12-28. Review status: criteria provided, single submitter. Criteria: Ambry Variant Classification Scheme 2023. Collection method: clinical testing. Allele origin: germline.

Fulgent Genetics
Classification: Uncertain significance for Donnai-Barrow syndrome. Last evaluated: 2022-05-18. Review status: criteria provided, single submitter. Criteria: ACMG Guidelines, 2015. Collection method: clinical testing. Allele origin: unknown.

Labcorp Genetics (formerly Invitae), Labcorp
Classification: Uncertain significance. Last evaluated: 2022-01-13. Review status: criteria provided, single submitter. Criteria: Invitae Variant Classification Sherloc (09022015). Collection method: clinical testing. Allele origin: germline.
Comment: This sequence change replaces aspartic acid, which is acidic and polar, with asparagine, which is neutral and polar, at codon 3245 of the LRP2 protein (p.Asp3245Asn). This variant is present in population databases (rs759025536, gnomAD 0.01%). This variant has not been reported in the literature in individuals affected with LRP2-related conditions. Advanced modeling of protein sequence and biophysical properties (such as structural, functional, and spatial information, amino acid conservation, physicochemical variation, residue mobility, and thermodynamic stability) performed at Invitae indicates that this missense variant is expected to disrupt LRP2 protein function. In summary, the available evidence is currently insufficient to determine the role of this variant in disease. Therefore, it has been classified as a Variant of Uncertain Significance.

PreventionGenetics, part of Exact Sciences
Classification: Uncertain significance for LRP2-related condition. Last evaluated: 2024-04-10. Review status: no assertion criteria provided. Collection method: clinical testing. Allele origin: germline. Not counted in ClinVar's aggregate classification.
Comment: The LRP2 c.9733G>A variant is predicted to result in the amino acid substitution p.Asp3245Asn. To our knowledge, this variant has not been reported in the literature. This variant is reported in 0.012% of alleles in individuals of African descent in gnomAD. At this time, the clinical significance of this variant is uncertain due to the absence of conclusive functional and genetic evidence.